The following is an entry in ClinVar:

ClinVar aggregate classification (germline): Uncertain significance (1 of 4 stars; one submission).

Conditions:
Hereditary breast ovarian cancer syndrome. Also called: Hereditary breast and ovarian cancer syndrome; Hereditary breast and ovarian cancer syndrome (HBOC); BRCA1- and BRCA2-Associated Hereditary Breast and Ovarian Cancer; Hereditary breast and ovarian cancer; Breast and ovarian cancer; Hereditary breast and/or ovarian cancer syndrome. Identifiers: Orphanet 145, MedGen C0677776, MeSH D061325, MONDO:0003582. Disease mechanism: loss of function.

gnomAD v4.1: 1 of 1,613,248 alleles (0.000062%); highest among the groups gnomAD compares: Non-Finnish European, 0.000085%; no homozygotes.

Submission:

Labcorp Genetics (formerly Invitae), Labcorp
Classification: Uncertain significance for Hereditary breast ovarian cancer syndrome. Last evaluated: 2024-08-27. Review status: criteria provided, single submitter. Criteria: Invitae Variant Classification Sherloc (09022015). Collection method: clinical testing. Allele origin: germline.
Comment: This sequence change replaces serine, which is neutral and polar, with isoleucine, which is neutral and non-polar, at codon 1834 of the BRCA2 protein (p.Ser1834Ile). This variant is not present in population databases (gnomAD no frequency). This variant has not been reported in the literature in individuals affected with BRCA2-related conditions. Invitae Evidence Modeling of protein sequence and biophysical properties (such as structural, functional, and spatial information, amino acid conservation, physicochemical variation, residue mobility, and thermodynamic stability) indicates that this missense variant is not expected to disrupt BRCA2 protein function with a negative predictive value of 95%. In summary, the available evidence is currently insufficient to determine the role of this variant in disease. Therefore, it has been classified as a Variant of Uncertain Significance.

NM_000059.4(BRCA2):c.5501G>T (p.Ser1834Ile)

Gene: BRCA2 (BRCA2 DNA repair associated; plus strand). Cytogenetic location: 13q13.1.
Variant type: single nucleotide variant.
Coding change: c.5501G>T on transcript NM_000059.4 (MANE Select); coding-DNA position 5501, G replaced by T.
Protein change: p.Ser1834Ile; replaces serine 1834 with isoleucine.
Molecular consequence: missense variant. On other transcripts: non-coding transcript variant (1), intron variant (2).
Genome position (GRCh38, 1-based): chr13:32,339,856, G>T. VCF-style: chr13-32339856-G-T. GRCh37 (hg19) VCF-style: chr13-32913993-G-T.
Other names: c.5501G>T, p.Ser1834Ile (NM_001406719.1, NM_001406720.1, NM_001432077.1); c.1910-4702G>T (NM_001406721.1); c.425-4702G>T (NM_001406722.1); short protein forms S1834I.
Identifiers: ClinVar variation 3636494 (VCV003636494.2).